The following is an entry in ClinVar:

NM_001135022.2(ELMOD3):c.1000T>C (p.Tyr334His)

Gene: ELMOD3 (ELMO domain containing 3; plus strand). Cytogenetic location: 2p11.2.
Variant type: single nucleotide variant.
Coding change: c.1000T>C on transcript NM_001135022.2 (MANE Select); coding-DNA position 1000, T replaced by C.
Protein change: p.Tyr334His; replaces tyrosine 334 with histidine.
Molecular consequence: missense variant. On other transcripts: 3 prime UTR variant (1), non-coding transcript variant (3).
Genome position (GRCh38, 1-based): chr2:85,390,816, T>C. VCF-style: chr2-85390816-T-C. GRCh37 (hg19) VCF-style: chr2-85617939-T-C.
Other names: c.1000T>C, p.Tyr334His (NM_001135021.2, NM_001135023.2, NM_001329791.2 and 2 more transcripts); c.*318T>C (NM_032213.5); short protein forms Y334H.
Identifiers: ClinVar variation 4984213 (VCV004984213.1).

ClinVar aggregate classification (germline): Uncertain significance (1 of 4 stars; one submission).

Conditions:
ELMOD3-related disorder. Also called: ELMOD3-related condition.

gnomAD v4.1: 2 of 1,551,470 alleles (0.00013%); highest among the groups gnomAD compares: Admixed American, 0.002%; no homozygotes.

Submission:

PreventionGenetics, part of Exact Sciences
Classification: Uncertain significance for ELMOD3-related condition. Last evaluated: 2026-03-11. Review status: criteria provided, single submitter. Criteria: ACMG Guidelines, 2015. Collection method: clinical testing. Allele origin: germline.
Comment: The ELMOD3 c.1000T>C variant is predicted to result in the amino acid substitution p.Tyr334His. To our knowledge, this variant has not been reported in the literature or in a large population database (gnomAD), indicating this variant is rare. At this time, the clinical significance of this variant is uncertain due to the absence of conclusive functional and genetic evidence.